The following is an entry in ClinVar:

NM_020719.3(PRR12):c.4133C>T (p.Pro1378Leu)

Gene: PRR12 (proline rich 12; plus strand). Cytogenetic location: 19q13.33.
Variant type: single nucleotide variant.
Coding change: c.4133C>T on transcript NM_020719.3 (MANE Select); coding-DNA position 4133, C replaced by T.
Protein change: p.Pro1378Leu; replaces proline 1378 with leucine.
Molecular consequence: missense variant.
Genome position (GRCh38, 1-based): chr19:49,599,726, C>T. VCF-style: chr19-49599726-C-T. GRCh37 (hg19) VCF-style: chr19-50102983-C-T.
Other names: c.4133C>T (NM_020719.1); short protein forms P1378L.
Identifiers: ClinVar variation 1334661 (VCV001334661.5), dbSNP rs1260712719, ClinGen allele CA406891060.
Genomic context (GRCh38, chr19:49,599,726, plus strand): 5'-GCTGCCCTTCACCCTGCAAGCGGCTTGATGAGGAGCTGAAGCGGAACCTCGAGACGCTGC[C>T]CTCCTTCTCCTCGGATGAGGAAGACTCTGTCGCCAAGAACCGAGACCTGCAGGAGAGCAT-3'
Protein context (NP_065770.1, residues 1368-1388): EELKRNLETL[Pro1378Leu]SFSSDEEDSV

ClinVar aggregate classification (germline): Uncertain significance. Review status: criteria provided, multiple submitters, no conflicts (2 of 4 stars). 2 submissions from 2 submitters: Uncertain significance (2). Last evaluated 2026-08-31.

Conditions:
Inborn genetic diseases. Identifiers: MedGen C0950123, MeSH D030342.

Allele frequency attached by ClinVar (database versions not stated): gnomAD 0.00001; TOPMed below 0.00001; gnomAD exomes below 0.00001.
gnomAD v4.1: 3 of 1,613,494 alleles (0.00019%); highest among the groups gnomAD compares: Non-Finnish European, 0.00025%; no homozygotes.

Submissions (2):

Ambry Genetics
Classification: Uncertain significance for Inborn genetic diseases. Last evaluated: 2026-08-31. Review status: criteria provided, single submitter. Criteria: Ambry Variant Classification Scheme 2023. Collection method: clinical testing. Allele origin: germline.

Greenwood Genetic Center Diagnostic Laboratories, Greenwood Genetic Center
Classification: Uncertain significance. Last evaluated: 2021-11-16. Review status: criteria provided, single submitter. Criteria: ACMG Guidelines, 2015. Collection method: clinical testing. Allele origin: germline. Affected: yes.
Comment: PP3, PM2